The following is an entry in ClinVar:

NM_030777.4(SLC2A10):c.224A>G (p.Lys75Arg)

Gene: SLC2A10 (solute carrier family 2 member 10; plus strand). Cytogenetic location: 20q13.12.
Variant type: single nucleotide variant.
Coding change: c.224A>G on transcript NM_030777.4 (MANE Select); coding-DNA position 224, A replaced by G.
Protein change: p.Lys75Arg; replaces lysine 75 with arginine.
Molecular consequence: missense variant.
Genome position (GRCh38, 1-based): chr20:46,725,260, A>G. VCF-style: chr20-46725260-A-G. GRCh37 (hg19) VCF-style: chr20-45353899-A-G.
Other names: short protein forms K75R.
Identifiers: ClinVar variation 1399453 (VCV001399453.8), dbSNP rs2123043051, ClinGen allele CA409266599.

ClinVar aggregate classification (germline): Uncertain significance (1 of 4 stars; one submission).

Conditions:
Arterial tortuosity syndrome (ATORS). Identifiers: Orphanet 3342, MedGen C1859726, MONDO:0008818, OMIM 208050.

Submission:

Labcorp Genetics (formerly Invitae), Labcorp
Classification: Uncertain significance for Arterial tortuosity syndrome. Last evaluated: 2022-10-17. Review status: criteria provided, single submitter. Criteria: Invitae Variant Classification Sherloc (09022015). Collection method: clinical testing. Allele origin: germline.
Comment: Advanced modeling of protein sequence and biophysical properties (such as structural, functional, and spatial information, amino acid conservation, physicochemical variation, residue mobility, and thermodynamic stability) performed at Invitae indicates that this missense variant is not expected to disrupt SLC2A10 protein function. ClinVar contains an entry for this variant (Variation ID: 1399453). This variant has not been reported in the literature in individuals affected with SLC2A10-related conditions. This variant is not present in population databases (gnomAD no frequency). This sequence change replaces lysine, which is basic and polar, with arginine, which is basic and polar, at codon 75 of the SLC2A10 protein (p.Lys75Arg). In summary, the available evidence is currently insufficient to determine the role of this variant in disease. Therefore, it has been classified as a Variant of Uncertain Significance.